The following is an entry in ClinVar:

NM_002519.3(NPAT):c.661A>G (p.Thr221Ala)

Gene: NPAT (nuclear protein, coactivator of histone transcription; minus strand). Cytogenetic location: 11q22.3.
Variant type: single nucleotide variant.
Coding change: c.661A>G on transcript NM_002519.3 (MANE Select); coding-DNA position 661, A replaced by G.
Protein change: p.Thr221Ala; replaces threonine 221 with alanine.
Molecular consequence: missense variant.
Genome position (GRCh38, 1-based): chr11:108,186,547, T>C on the plus strand (A>G on the coding strand, the complement: NPAT is on the minus strand). VCF-style: chr11-108186547-T-C. GRCh37 (hg19) VCF-style: chr11-108057274-T-C.
Other names: c.661A>G, p.Thr221Ala (NM_001321307.1); short protein forms T221A.
Identifiers: ClinVar variation 1754505 (VCV001754505.7), dbSNP rs769219700, ClinGen allele CA6264227.

ClinVar aggregate classification (germline): Uncertain significance. Review status: criteria provided, multiple submitters, no conflicts (2 of 4 stars). 2 submissions from 2 submitters: Uncertain significance (2). Last evaluated 2024-02-27.

gnomAD v4.1: 3 of 1,613,996 alleles (0.00019%); highest among the groups gnomAD compares: Middle Eastern, 0.017%; no homozygotes.

Submissions (2):

Ambry Genetics
Classification: Uncertain significance. Last evaluated: 2024-02-27. Review status: criteria provided, single submitter. Criteria: Ambry Variant Classification Scheme 2023. Collection method: clinical testing. Allele origin: germline.
Comment: The p.T221A variant (also known as c.661A>G), located in coding exon 8 of the NPAT gene, results from an A to G substitution at nucleotide position 661. The threonine at codon 221 is replaced by alanine, an amino acid with similar properties. This amino acid position is conserved. In addition, this alteration is predicted to be tolerated by in silico analysis. Since supporting evidence is limited at this time, the clinical significance of this alteration remains unclear.

Labcorp Genetics (formerly Invitae), Labcorp
Classification: Uncertain significance. Last evaluated: 2022-10-03. Review status: criteria provided, single submitter. Criteria: Invitae Variant Classification Sherloc (09022015). Collection method: clinical testing. Allele origin: germline.
Comment: In summary, the available evidence is currently insufficient to determine the role of this variant in disease. Therefore, it has been classified as a Variant of Uncertain Significance. Algorithms developed to predict the effect of missense changes on protein structure and function (SIFT, PolyPhen-2, Align-GVGD) all suggest that this variant is likely to be tolerated. This variant has not been reported in the literature in individuals affected with NPAT-related conditions. This variant is present in population databases (rs769219700, gnomAD 0.003%). This sequence change replaces threonine, which is neutral and polar, with alanine, which is neutral and non-polar, at codon 221 of the NPAT protein (p.Thr221Ala).